The following is an entry in ClinVar:

ClinVar aggregate classification (germline): Likely benign. Review status: criteria provided, single submitter (1 of 4 stars). 2 submissions from 2 submitters: Likely benign (1). 1 of the submissions does not count toward it. Last evaluated 2023-08-04.

Conditions:
PHIP-related disorder. Also called: PHIP-related condition; PHIP-related disorders.

Allele frequency attached by ClinVar (database versions not stated): gnomAD exomes below 0.00001; ExAC 0.00001.
gnomAD v4.1: 1 of 1,550,172 alleles (0.000065%); highest among the groups gnomAD compares: Admixed American, 0.0017%; no homozygotes.

Submissions (2):

Labcorp Genetics (formerly Invitae), Labcorp
Classification: Likely benign. Last evaluated: 2023-08-04. Review status: criteria provided, single submitter. Criteria: Invitae Variant Classification Sherloc (09022015). Collection method: clinical testing. Allele origin: germline.

PreventionGenetics, part of Exact Sciences
Classification: Likely benign for PHIP-related condition. Last evaluated: 2024-06-13. Review status: no assertion criteria provided. Collection method: clinical testing. Allele origin: germline. Not counted in ClinVar's aggregate classification.
Comment: This variant is classified as likely benign based on ACMG/AMP sequence variant interpretation guidelines (Richards et al. 2015 PMID: 25741868, with internal and published modifications).

NM_017934.7(PHIP):c.923+3C>G

Gene: PHIP (PHIP subunit of CUL4-Ring ligase complex; minus strand). Cytogenetic location: 6q14.1.
Variant type: single nucleotide variant.
Coding change: c.923+3C>G on transcript NM_017934.7 (MANE Select); 3 bases into the intron after coding-DNA position 923, C replaced by G.
Molecular consequence: intron variant.
Genome position (GRCh38, 1-based): chr6:79,025,516, G>C on the plus strand (C>G on the coding strand, the complement: PHIP is on the minus strand). VCF-style: chr6-79025516-G-C. GRCh37 (hg19) VCF-style: chr6-79735233-G-C.
Other names: c.923+3C>G (NM_017934.6).
Identifiers: ClinVar variation 2830829 (VCV002830829.4), dbSNP rs747091686, ClinGen allele CA3900281.